The following is an entry in ClinVar:

NC_000007.13:g.(6022623_6026389)_(6043690_6045522)del

Gene: PMS2 (PMS1 homolog 2, mismatch repair system component; minus strand). Cytogenetic location: 7p22.1.
Variant type: Deletion.
Identifiers: ClinVar variation 4535987 (VCV004535987.1).

ClinVar aggregate classification (germline): Pathogenic (1 of 4 stars; one submission).

Conditions:
Hereditary nonpolyposis colon cancer (HNPCC). Also called: Hereditary nonpolyposis colorectal cancer; Familial nonpolyposis colon cancer; Hereditary Nonpolyposis Colorectal Cancer Syndrome. Identifiers: Orphanet 443909, MedGen C1333990, MONDO:0018630. Disease mechanism: loss of function.

Submission:

Women's Health and Genetics/Laboratory Corporation of America, LabCorp
Classification: Pathogenic for Hereditary nonpolyposis colon cancer. Last evaluated: 2025-09-24. Review status: criteria provided, single submitter. Criteria: LabCorp Variant Classification Summary - May 2015. Collection method: clinical testing. Allele origin: germline.
Comment: Variant summary: The variant involves the deletion of exons 3-11 in the PMS2 gene. A presumed nomenclature of c.(163+1_164-1)_(2006+1_2007-1)del has been designated for the purposes of this classification. This Copy Number Variant (CNV) is expected to alter the reading frame and predicted to result in a truncation or absence of the encoded protein due to nonsense mediated decay (NMD). The variant was absent in 21694 control chromosomes (gnomAD). To our knowledge, no occurrence of c.(163+1_164-1)_(2006+1_2007-1)del in individuals affected with PMS2-related conditions and no experimental evidence demonstrating its impact on protein function have been reported. ClinVar contains an entry for this variant (Variation ID: 1071163). Based on the evidence outlined above, the variant was classified as pathogenic.